The following is an entry in ClinVar:

ClinVar aggregate classification (germline): Likely benign (1 of 4 stars; one submission).

gnomAD v4.1: 1 of 1,610,854 alleles (0.000062%); highest among the groups gnomAD compares: Admixed American, 0.0017%; no homozygotes.

Submission:

CeGaT Center for Human Genetics Tuebingen
Classification: Likely benign. Last evaluated: 2025-02-01. Review status: criteria provided, single submitter. Criteria: CeGaT Center For Human Genetics Tuebingen Variant Classification Criteria Version 2. Collection method: clinical testing. Allele origin: germline. Affected: yes. Observed: 1 variant allele.
Comment: FCSK: BP4, BP7

NM_145059.3(FCSK):c.1893C>T (p.Asn631=)

Gene: FCSK (fucose kinase; plus strand). Cytogenetic location: 16q22.1.
Variant type: single nucleotide variant.
Coding change: c.1893C>T on transcript NM_145059.3 (MANE Select); coding-DNA position 1893, C replaced by T.
Protein change: p.Asn631=; no amino-acid change (asparagine 631 retained).
Molecular consequence: synonymous variant.
Genome position (GRCh38, 1-based): chr16:70,474,244, C>T. VCF-style: chr16-70474244-C-T. GRCh37 (hg19) VCF-style: chr16-70508147-C-T.
Identifiers: ClinVar variation 3772436 (VCV003772436.13).